The following is an entry in ClinVar:

ClinVar aggregate classification (germline): Pathogenic (1 of 4 stars; one submission).

Conditions:
Acrodysostosis 2 with or without hormone resistance. Also called: ACRODYSOSTOSIS 2 WITH HORMONE RESISTANCE; ACRODYSOSTOSIS 2 WITHOUT HORMONE RESISTANCE. Identifiers: Orphanet 280651, MedGen C3553250, MONDO:0013822, OMIM 614613.

Submission:

Laboratoire de Genetique Biologique, CHU de Poitiers
Classification: Pathogenic for Acrodysostosis 2 with or without hormone resistance. Last evaluated: 2026-04-14. Review status: criteria provided, single submitter. Criteria: ACMG Guidelines, 2015. Collection method: provider interpretation. Allele origin: de novo. Affected: yes. Observed: 1 variant allele, 1 heterozygote.
Comment: Genome analysis revealed a complex reciprocal insertion-type structural variant between chromosomes 5 and 7, occurring de novo. A fragment of the long arm of chromosome 7 (7q35:145593551-146271150) was inserted into the short arm of chromosome 5 (at 5p14.3:22425880-22425885). Reciprocally, a fragment of the long arm of chromosome 5 (5q12.1:59503870-63372442) was inserted, in an inverted orientation, into the long arm of chromosome 7 (at 7q35:146271150-146271152). Regarding the genes involved: One of the breakpoints at 7q35 is intragenic to CNTNAP2. A breakpoint at 5q12.1 is intragenic to PDE4D. The probable consequences are a loss of function of these two genes. Various mutations of PDE4D, primarily with a dominant-negative effect, have been reported as responsible for a dominant form of acrodysostosis with intellectual disability (OMIM #614613). Haploinsufficiency of this gene has also been associated with a form of intellectual disability with facial dysmorphism and musculoskeletal involvement (Lindstrand et al. J Med Genet 2014), which appears similar to the phenotype presented by the patient.

Literature cited by the submitters: PubMed 24203977.

seq[GRCh38] ins(5;7)(p14.3;q35q35)dn / seq[GRCh38] ins(7;5)(q35;q12.1q12.1)dn, NC_000005.10:g.22425880_22425885delins[NC_000007.14:g.145593551_146271150] and NC_000007.14:g.146271150_146271152delins[NC_000005.10:g.59503870_63372442inv]

Genes: CNTNAP2 (contactin associated protein 2; plus strand), LOC105375553 (uncharacterized LOC105375553; minus strand), LOC126860215 (P300/CBP strongly-dependent group 1 enhancer GRCh37_chr7:145750296-145751495; plus strand), LOC129389915 (MPRA-validated peak6818 silencer; plus strand), LOC129389916 (MPRA-validated peak6819 silencer; plus strand) and 3 more. Cytogenetic location: 7q35.
Variant type: Complex.
Identifiers: ClinVar variation 4852854 (VCV004852854.1).